The following is an entry in ClinVar:

ClinVar aggregate classification (germline): Uncertain significance (1 of 4 stars; one submission).

Conditions:
Peutz-Jeghers syndrome (PJS). Also called: POLYPOSIS, HAMARTOMATOUS INTESTINAL; POLYPS-AND-SPOTS SYNDROME; Peutz-Jeghers polyposis; Periorificial lentiginosis syndrome. Identifiers: Orphanet 2869, MedGen C0031269, MeSH D010580, MONDO:0008280, OMIM 175200.

Submission:

Labcorp Genetics (formerly Invitae), Labcorp
Classification: Uncertain significance for Peutz-Jeghers syndrome. Last evaluated: 2024-03-07. Review status: criteria provided, single submitter. Criteria: Invitae Variant Classification Sherloc (09022015). Collection method: clinical testing. Allele origin: germline.
Comment: This sequence change falls in intron 7 of the STK11 gene. It does not directly change the encoded amino acid sequence of the STK11 protein. It affects a nucleotide within the consensus splice site. This variant is not present in population databases (gnomAD no frequency). This variant has not been reported in the literature in individuals affected with STK11-related conditions. Variants that disrupt the consensus splice site are a relatively common cause of aberrant splicing (PMID: 17576681, 9536098). Algorithms developed to predict the effect of sequence changes on RNA splicing suggest that this variant is not likely to affect RNA splicing. In summary, the available evidence is currently insufficient to determine the role of this variant in disease. Therefore, it has been classified as a Variant of Uncertain Significance.

Literature cited by the submitters: PubMed 17576681; PubMed 9536098.

NM_000455.5(STK11):c.920+6del

Gene: STK11 (serine/threonine kinase 11; plus strand). Cytogenetic location: 19p13.3.
Variant type: Deletion.
Coding change: c.920+6del on transcript NM_000455.5 (MANE Select); 6 bases into the intron after coding-DNA position 920, one base deleted (C; older notation c.920+6delC).
Molecular consequence: intron variant.
Genome position (GRCh38, 1-based): chr19:1,222,012, C deleted. VCF-style (leftmost placement, unchanged base first): chr19-1222011-GC-G. GRCh37 (hg19) VCF-style: chr19-1222010-GC-G.
Other names: c.920+6del (NM_001407255.1).
Identifiers: ClinVar variation 3644881 (VCV003644881.2).
Genomic context (GRCh38, chr19:1,222,011, plus strand): 5'-ATGCTTGAGTACGAACCGGCCAAGAGGTTCTCCATCCGGCAGATCCGGCAGCACAGGTGA[GC>G]GGCCCCTGGGGGCAGTGGGGCCGAGGCTGCAGGGAGGCCGGCCATGTGGGCAGCTGGTTG-3'